The following is an entry in ClinVar:

ClinVar aggregate classification (germline): Benign/Likely benign. Review status: criteria provided, multiple submitters, no conflicts (2 of 4 stars). 5 submissions from 5 submitters: Benign (3); Likely benign (1). 1 of the submissions does not count toward it. Last evaluated 2026-01-06.

Conditions:
NSDHL-related disorder. Also called: NSDHL-related condition; NSDHL-Related Disorders. Identifiers: MedGen CN381535.

Allele frequency attached by ClinVar (database versions not stated): gnomAD exomes 0.00021 and 0.00052; ExAC 0.00065; 1000 Genomes Project 30x 0.00166; gnomAD 0.00191 and 0.00201; TOPMed 0.00193; ESP Exome Variant Server 0.00208; 1000 Genomes Project 0.00212.
gnomAD v4.1: 445 of 1,208,103 alleles (0.037%); highest among the groups gnomAD compares: African/African-American, 0.64%; 2 homozygotes.

Submissions (5):

Labcorp Genetics (formerly Invitae), Labcorp
Classification: Benign. Last evaluated: 2026-01-06. Review status: criteria provided, single submitter. Criteria: Invitae Variant Classification Sherloc (09022015). Collection method: clinical testing. Allele origin: germline.

Blueprint Genetics
Classification: Likely benign. Last evaluated: 2024-11-13. Review status: criteria provided, single submitter. Criteria: ACMG Guidelines, 2015. Collection method: clinical testing. Allele origin: germline.

Genetic Services Laboratory, University of Chicago
Classification: Benign. Last evaluated: 2016-02-18. Review status: criteria provided, single submitter. Criteria: ACMG Guidelines, 2015. Collection method: clinical testing. Allele origin: germline. Affected: no.

Breakthrough Genomics
Classification: Benign. Review status: criteria provided, single submitter. Criteria: ACMG Guidelines, 2015. Collection method: not provided. Allele origin: germline. Inheritance: X-linked inheritance. Affected: yes.

PreventionGenetics, part of Exact Sciences
Classification: Benign for NSDHL-related condition. Last evaluated: 2019-05-02. Review status: no assertion criteria provided. Collection method: clinical testing. Allele origin: germline. Not counted in ClinVar's aggregate classification.
Comment: This variant is classified as benign based on ACMG/AMP sequence variant interpretation guidelines (Richards et al. 2015 PMID: 25741868, with internal and published modifications).

NM_015922.3(NSDHL):c.750G>A (p.Ala250=)

Gene: NSDHL (NAD(P) dependent 3-beta-hydroxysteroid dehydrogenase NSDHL; plus strand). Cytogenetic location: Xq28.
Variant type: single nucleotide variant.
Coding change: c.750G>A on transcript NM_015922.3 (MANE Select); coding-DNA position 750, G replaced by A.
Protein change: p.Ala250=; no amino-acid change (alanine 250 retained).
Molecular consequence: synonymous variant.
Genome position (GRCh38, 1-based): chrX:152,867,634, G>A. VCF-style: chrX-152867634-G-A. GRCh37 (hg19) VCF-style: chrX-152036178-G-A.
Other names: c.750G>A, p.Ala250= (NM_001129765.2).
Identifiers: ClinVar variation 211752 (VCV000211752.19), dbSNP rs141068024, ClinGen allele CA207465.